The following is an entry in ClinVar:

NM_001271.4(CHD2):c.991A>G (p.Lys331Glu)

Gene: CHD2 (chromodomain helicase DNA binding protein 2; plus strand). Cytogenetic location: 15q26.1.
Variant type: single nucleotide variant.
Coding change: c.991A>G on transcript NM_001271.4 (MANE Select); coding-DNA position 991, A replaced by G.
Protein change: p.Lys331Glu; replaces lysine 331 with glutamic acid.
Molecular consequence: missense variant.
Genome position (GRCh38, 1-based): chr15:92,943,007, A>G. VCF-style: chr15-92943007-A-G. GRCh37 (hg19) VCF-style: chr15-93486237-A-G.
Other names: c.991A>G, p.Lys331Glu (NM_001042572.3); short protein forms K331E.
Identifiers: ClinVar variation 3365140 (VCV003365140.2).

ClinVar aggregate classification (germline): Uncertain significance. Review status: criteria provided, multiple submitters, no conflicts (2 of 4 stars). 2 submissions from 2 submitters: Uncertain significance (2). Last evaluated 2025-10-01.

Conditions:
Developmental and epileptic encephalopathy 94 (DEE94). Also called: Epileptic encephalopathy, childhood-onset; CHD2-Related Neurodevelopmental Disorders. Identifiers: Orphanet 1942, Orphanet 2382, MedGen C3809278, MONDO:0014150, OMIM 615369.

Submissions (2):

Labcorp Genetics (formerly Invitae), Labcorp
Classification: Uncertain significance for Developmental and epileptic encephalopathy 94. Last evaluated: 2025-10-01. Review status: criteria provided, single submitter. Criteria: Invitae Variant Classification Sherloc (09022015). Collection method: clinical testing. Allele origin: germline.
Comment: This sequence change replaces lysine, which is basic and polar, with glutamic acid, which is acidic and polar, at codon 331 of the CHD2 protein (p.Lys331Glu). This variant is not present in population databases (gnomAD no frequency). This variant has not been reported in the literature in individuals affected with CHD2-related conditions. ClinVar contains an entry for this variant (Variation ID: 3365140). Invitae Evidence Modeling of protein sequence and biophysical properties (such as structural, functional, and spatial information, amino acid conservation, physicochemical variation, residue mobility, and thermodynamic stability) indicates that this missense variant is not expected to disrupt CHD2 protein function with a negative predictive value of 95%. In summary, the available evidence is currently insufficient to determine the role of this variant in disease. Therefore, it has been classified as a Variant of Uncertain Significance.

GeneDx
Classification: Uncertain significance. Last evaluated: 2023-12-04. Review status: criteria provided, single submitter. Criteria: GeneDx Variant Classification Process June 2021. Collection method: clinical testing. Allele origin: germline. Affected: yes.
Comment: Not observed at significant frequency in large population cohorts (gnomAD); In silico analysis supports that this missense variant has a deleterious effect on protein structure/function; Has not been previously published as pathogenic or benign to our knowledge